The following is an entry in ClinVar:

NM_002291.3(LAMB1):c.1612C>T (p.Arg538Cys)

Gene: LAMB1 (laminin subunit beta 1; minus strand). Cytogenetic location: 7q31.1.
Variant type: single nucleotide variant.
Coding change: c.1612C>T on transcript NM_002291.3 (MANE Select); coding-DNA position 1612, C replaced by T.
Protein change: p.Arg538Cys; replaces arginine 538 with cysteine.
Molecular consequence: missense variant.
Genome position (GRCh38, 1-based): chr7:107,964,638, G>A on the plus strand (C>T on the coding strand, the complement: LAMB1 is on the minus strand). VCF-style: chr7-107964638-G-A. GRCh37 (hg19) VCF-style: chr7-107605083-G-A.
Other names: c.1612C>T (NM_002291.2); short protein forms R538C.
Identifiers: ClinVar variation 1345447 (VCV001345447.9), dbSNP rs376287086, ClinGen allele CA4435955.
Genomic context (GRCh38, chr7:107,964,638, plus strand): 5'-CATAGAGGTAGTGATCCAGGGTGGCAAAGTAGTAACCAGGTTCCACTTCGTTGCACTGAC[G>A]TCCAATCATGTGAGGCCGGCATGAGCACTGGCCTGACTCCGCAAAGCAACTGGAAGGGAG-3'
Protein context (NP_002282.2, residues 528-548): QCSCRPHMIG[Arg538Cys]QCNEVEPGYY

ClinVar aggregate classification (germline): Uncertain significance. Review status: criteria provided, multiple submitters, no conflicts (2 of 4 stars). 2 submissions from 2 submitters: Uncertain significance (2). Last evaluated 2024-03-08.

Conditions:
Inborn genetic diseases. Identifiers: MedGen C0950123, MeSH D030342.

Allele frequency attached by ClinVar (database versions not stated): gnomAD 0.00001; ExAC 0.00002; gnomAD exomes 0.00002; TOPMed 0.00003; ESP Exome Variant Server 0.00008; 1000 Genomes Project 30x 0.00016.

Submissions (2):

Ambry Genetics
Classification: Uncertain significance for Inborn genetic diseases. Last evaluated: 2024-03-08. Review status: criteria provided, single submitter. Criteria: Ambry Variant Classification Scheme 2023. Collection method: clinical testing. Allele origin: germline.

Labcorp Genetics (formerly Invitae), Labcorp
Classification: Uncertain significance. Last evaluated: 2022-11-07. Review status: criteria provided, single submitter. Criteria: Invitae Variant Classification Sherloc (09022015). Collection method: clinical testing. Allele origin: germline.
Comment: In summary, the available evidence is currently insufficient to determine the role of this variant in disease. Therefore, it has been classified as a Variant of Uncertain Significance. Algorithms developed to predict the effect of missense changes on protein structure and function (SIFT, PolyPhen-2, Align-GVGD) all suggest that this variant is likely to be disruptive. ClinVar contains an entry for this variant (Variation ID: 1345447). This variant has not been reported in the literature in individuals affected with LAMB1-related conditions. This variant is present in population databases (rs376287086, gnomAD 0.007%). This sequence change replaces arginine, which is basic and polar, with cysteine, which is neutral and slightly polar, at codon 538 of the LAMB1 protein (p.Arg538Cys).